The following is an entry in ClinVar:

ClinVar aggregate classification (germline): Uncertain significance (1 of 4 stars; one submission).

Submission:

GeneDx
Classification: Uncertain significance. Last evaluated: 2023-12-01. Review status: criteria provided, single submitter. Criteria: GeneDx Variant Classification Process June 2021. Collection method: clinical testing. Allele origin: germline. Affected: yes.
Comment: Not observed at significant frequency in large population cohorts (gnomAD); In silico analysis supports that this missense variant does not alter protein structure/function; Has not been previously published as pathogenic or benign to our knowledge

NM_001378120.1(MBD5):c.4582C>G (p.Pro1528Ala)

Gene: MBD5 (methyl-CpG binding domain protein 5; plus strand). Cytogenetic location: 2q23.1.
Variant type: single nucleotide variant.
Coding change: c.4582C>G on transcript NM_001378120.1 (MANE Select); coding-DNA position 4582, C replaced by G.
Protein change: p.Pro1528Ala; replaces proline 1528 with alanine.
Molecular consequence: missense variant.
Genome position (GRCh38, 1-based): chr2:148,490,214, C>G. VCF-style: chr2-148490214-C-G. GRCh37 (hg19) VCF-style: chr2-149247783-C-G.
Other names: c.3883C>G, p.Pro1295Ala (NM_018328.5); short protein forms P1295A, P1528A.
Identifiers: ClinVar variation 3365208 (VCV003365208.1).